The following is an entry in ClinVar:

ClinVar aggregate classification (germline): Uncertain significance (1 of 4 stars; one submission).

Allele frequency attached by ClinVar (database versions not stated): gnomAD exomes below 0.00001 and 0.00001; ExAC 0.00001; gnomAD 0.00001; TOPMed 0.00001.
gnomAD v4.1: 4 of 1,614,078 alleles (0.00025%); highest among the groups gnomAD compares: African/African-American, 0.0053%; no homozygotes.

Submission:

Greenwood Genetic Center Diagnostic Laboratories, Greenwood Genetic Center
Classification: Uncertain significance. Last evaluated: 2021-10-14. Review status: criteria provided, single submitter. Criteria: ACMG Guidelines, 2015. Collection method: clinical testing. Allele origin: germline. Affected: yes.
Comment: PM2

NM_018960.6(GNMT):c.767T>C (p.Leu256Pro)

Genes: CNPY3-GNMT (CNPY3-GNMT readthrough; plus strand), GNMT (glycine N-methyltransferase; plus strand). Cytogenetic location: 6p21.1.
Variant type: single nucleotide variant.
Coding change: c.767T>C on transcript NM_018960.6 (MANE Select); coding-DNA position 767, T replaced by C.
Protein change: p.Leu256Pro; replaces leucine 256 with proline.
Molecular consequence: missense variant. On other transcripts: non-coding transcript variant (4).
Genome position (GRCh38, 1-based): chr6:42,963,585, T>C. VCF-style: chr6-42963585-T-C. GRCh37 (hg19) VCF-style: chr6-42931323-T-C.
Other names: c.569T>C, p.Leu190Pro (NM_001318856.2); c.584T>C, p.Leu195Pro (NM_001318857.2); c.476T>C, p.Leu159Pro (NM_001318858.2); c.710T>C, p.Leu237Pro (NM_001318865.2); short protein forms L159P, L190P, L195P, L237P, L256P.
Identifiers: ClinVar variation 1334623 (VCV001334623.4), dbSNP rs754695157, ClinGen allele CA3810806.